The following is an entry in ClinVar:

ClinVar aggregate classification (germline): Uncertain significance. Review status: criteria provided, multiple submitters, no conflicts (2 of 4 stars). 2 submissions from 2 submitters: Uncertain significance (2). Last evaluated 2023-02-16.

Conditions:
Koolen-de Vries syndrome (KDVS). Identifiers: Orphanet 96169, MedGen C1864871, MONDO:0012496, OMIM 610443.

Submissions (2):

Mayo Clinic Laboratories, Mayo Clinic
Classification: Uncertain significance. Last evaluated: 2023-02-16. Review status: criteria provided, single submitter. Criteria: ACMG Guidelines, 2015. Collection method: clinical testing. Allele origin: germline. Observed: 1 variant allele.
Comment: PM2

Labcorp Genetics (formerly Invitae), Labcorp
Classification: Uncertain significance for Koolen-de Vries syndrome. Last evaluated: 2021-09-17. Review status: criteria provided, single submitter. Criteria: Invitae Variant Classification Sherloc (09022015). Collection method: clinical testing. Allele origin: germline.

NM_015443.4(KANSL1):c.517_518delinsAT (p.Ser173Ile)

Gene: KANSL1 (KAT8 regulatory NSL complex subunit 1). Cytogenetic location: 17q21.31.
Variant type: Indel.
Coding change: c.517_518delinsAT on transcript NM_015443.4 (MANE Select); coding-DNA positions 517 to 518, the reference bases replaced by AT.
Protein change: p.Ser173Ile; replaces serine 173 with isoleucine.
Molecular consequence: missense variant.
Genome position: GRCh38 VCF-style: chr17-46171626-GA-AT. GRCh37 (hg19) VCF-style: chr17-44248992-GA-AT.
Other names: p.Ser173Ile; c.517_518delinsAT, p.Ser173Ile (NM_001193465.2, NM_001193466.2, NM_001379198.1); short protein forms S173I.
Identifiers: ClinVar variation 1016363 (VCV001016363.5), dbSNP rs2046297678, ClinGen allele CA2262180142.